The following is an entry in ClinVar:

NM_015338.6(ASXL1):c.2884G>C (p.Val962Leu)

Gene: ASXL1 (ASXL transcriptional regulator 1; plus strand). Cytogenetic location: 20q11.21.
Variant type: single nucleotide variant.
Coding change: c.2884G>C on transcript NM_015338.6 (MANE Select); coding-DNA position 2884, G replaced by C.
Protein change: p.Val962Leu; replaces valine 962 with leucine.
Molecular consequence: missense variant.
Genome position (GRCh38, 1-based): chr20:32,435,596, G>C. VCF-style: chr20-32435596-G-C. GRCh37 (hg19) VCF-style: chr20-31023399-G-C.
Other names: c.2701G>C, p.Val901Leu (NM_001363734.1); short protein forms V962L, V901L.
Identifiers: ClinVar variation 3956058 (VCV003956058.1).
Genomic context (GRCh38, chr20:32,435,596, plus strand): 5'-GGGGATTTGACAGCTGAGGAGGGTCTAGATCCTCTTGACAGCCTTACTTCACTCTGGACT[G>C]TGCCATCTCGAGGAGGCAGTGACAGCAATGGCAGTTACTGTCAACAGGTGGACATTGAAA-3'
Protein context (NP_056153.2, residues 952-972): PLDSLTSLWT[Val962Leu]PSRGGSDSNG

ClinVar aggregate classification (germline): Uncertain significance (1 of 4 stars; one submission).

Conditions:
Inborn genetic diseases. Identifiers: MedGen C0950123, MeSH D030342.

Submission:

Ambry Genetics
Classification: Uncertain significance for Inborn genetic diseases. Last evaluated: 2025-04-11. Review status: criteria provided, single submitter. Criteria: Ambry Variant Classification Scheme 2023. Collection method: clinical testing. Allele origin: germline.
Comment: The p.V962L variant (also known as c.2884G>C), located in coding exon 13 of the ASXL1 gene, results from a G to C substitution at nucleotide position 2884. The valine at codon 962 is replaced by leucine, an amino acid with highly similar properties. This amino acid position is conserved. In addition, this alteration is predicted to be tolerated by in silico analysis. Based on the available evidence, the clinical significance of this variant remains unclear.